The following is an entry in ClinVar:

NC_000022.10:g.(?_36585175)_(36591484_36595375)del

Gene: APOL4 (apolipoprotein L4; minus strand). Cytogenetic location: 22q12.3.
Variant type: Deletion.
Identifiers: ClinVar variation 3339264 (VCV003339264.1).

ClinVar aggregate classification (germline): Uncertain significance (1 of 4 stars; one submission).

Submission:

Women's Health and Genetics/Laboratory Corporation of America, LabCorp
Classification: Uncertain significance. Last evaluated: 2024-07-29. Review status: criteria provided, single submitter. Criteria: LabCorp Variant Classification Summary - May 2015. Collection method: clinical testing. Allele origin: germline.
Comment: Variant summary: The variant involves the deletion of exons 4-6 in the APOL4 gene. A presumed nomenclature of c.(91+1_92-1)_(*1948_?)del has been designated for the purposes of this classification. The exact breakpoint at the distal 3' end of this variant is unknown, therefore this deletion may extend downstream of the annotated region of the gene. As it encompasses the termination codon, it is predicted to escape nonsense mediated decay (NMD). Additionally, current evidence is not sufficient to establish loss of function as a mechanism for disease. The variant was absent in 21694 control chromosomes (gnomAD Structural Variants dataset). The available data on variant occurrences in the general population are insufficient to allow any conclusion about variant significance. To our knowledge, no occurrence of c.(91+1_92-1)_(*1948_?)del in individuals affected with Schizophrenia and no experimental evidence demonstrating its impact on protein function have been reported. No submitters have cited clinical-significance assessments for this variant to ClinVar. Based on the evidence outlined above, the variant was classified as uncertain significance.